The following is an entry in ClinVar:

NM_001378969.1(KCND3):c.1201G>C (p.Val401Leu)

Gene: KCND3 (potassium voltage-gated channel subfamily D member 3; minus strand). Cytogenetic location: 1p13.2.
Variant type: single nucleotide variant.
Coding change: c.1201G>C on transcript NM_001378969.1 (MANE Select); coding-DNA position 1201, G replaced by C.
Protein change: p.Val401Leu; replaces valine 401 with leucine.
Molecular consequence: missense variant.
Genome position (GRCh38, 1-based): chr1:111,787,012, C>G on the plus strand (G>C on the coding strand, the complement: KCND3 is on the minus strand). VCF-style: chr1-111787012-C-G. GRCh37 (hg19) VCF-style: chr1-112329634-C-G.
Other names: c.1201G>C, p.Val401Leu (NM_001378970.1, NM_004980.5, NM_172198.3); short protein forms V401L.
Identifiers: ClinVar variation 3600985 (VCV003600985.1).

ClinVar aggregate classification (germline): Pathogenic (1 of 4 stars; one submission).

Conditions:
Epilepsy. Also called: Seizure disorder. Identifiers: MedGen C0014544, MeSH D004827, MONDO:0005027.

Submission:

Medical Genome Center, National Cerebral and Cardiovascular Center
Classification: Pathogenic for Epilepsy. Last evaluated: 2023-03-10. Review status: criteria provided, single submitter. Criteria: ACMG Guidelines, 2015. Collection method: clinical testing. Allele origin: germline. Affected: yes.
Comment: The KCND3 c.1201G>C, p. V401L variant is not reported in large cohrt database (gnomAD). The variant was identified in de novo and the functional analysis of the variant showed severe functional changes (under review).Different amino acid change as a known pathogenic variant (Variation ID: 2581748). PM2, PS2, PS3, PM5